The following is an entry in ClinVar:

ClinVar aggregate classification (germline): Pathogenic (1 of 4 stars; one submission).

Submission:

Labcorp Genetics (formerly Invitae), Labcorp
Classification: Pathogenic. Last evaluated: 2022-02-07. Review status: criteria provided, single submitter. Criteria: Invitae Variant Classification Sherloc (09022015). Collection method: clinical testing. Allele origin: germline.
Comment: This sequence change creates a premature translational stop signal (p.Trp26*) in the IHH gene. It is expected to result in an absent or disrupted protein product. However, the current clinical and genetic evidence is not sufficient to establish whether loss-of-function variants in IHH cause disease. This variant is not present in population databases (gnomAD no frequency). For these reasons, this variant has been classified as Pathogenic. Algorithms developed to predict the effect of sequence changes on RNA splicing suggest that this variant may create or strengthen a splice site. This premature translational stop signal has been observed in individual(s) with brachydactyly (Invitae). In at least one individual the variant was observed to be de novo.

NM_002181.4(IHH):c.77G>A (p.Trp26Ter)

Gene: IHH (Indian hedgehog signaling molecule; minus strand). Cytogenetic location: 2q35.
Variant type: single nucleotide variant.
Coding change: c.77G>A on transcript NM_002181.4 (MANE Select); coding-DNA position 77, G replaced by A.
Protein change: p.Trp26Ter; replaces tryptophan 26 with a stop codon.
Molecular consequence: nonsense.
Genome position (GRCh38, 1-based): chr2:219,060,391, C>T on the plus strand (G>A on the coding strand, the complement: IHH is on the minus strand). VCF-style: chr2-219060391-C-T. GRCh37 (hg19) VCF-style: chr2-219925113-C-T.
Other names: short protein forms W26*.
Identifiers: ClinVar variation 1395100 (VCV001395100.6), dbSNP rs2106310688, ClinGen allele CA350637596.